The following is an entry in ClinVar:

NM_006218.4(PIK3CA):c.1034A>G (p.Asn345Ser)

Gene: PIK3CA (phosphatidylinositol-4,5-bisphosphate 3-kinase catalytic subunit alpha; plus strand). Cytogenetic location: 3q26.32.
Variant type: single nucleotide variant.
Coding change: c.1034A>G on transcript NM_006218.4 (MANE Select); coding-DNA position 1034, A replaced by G.
Protein change: p.Asn345Ser; replaces asparagine 345 with serine.
Molecular consequence: missense variant.
Genome position (GRCh38, 1-based): chr3:179,203,764, A>G. VCF-style: chr3-179203764-A-G. GRCh37 (hg19) VCF-style: chr3-178921552-A-G.
Other names: short protein forms N345S.
Identifiers: ClinVar variation 2580765 (VCV002580765.2), dbSNP rs1057519938, ClinGen allele CA355281458.
Genomic context (GRCh38, chr3:179,203,764, plus strand): 5'-AATCCCTTTGGGTTATAAATAGTGCACTCAGAATAAAAATTCTTTGTGCAACCTACGTGA[A>G]TGTAAATATTCGAGACATTGATAAGGTAAAGTCAAATGCTGATGCTTATTATTTTATAGA-3'
Protein context (NP_006209.2, residues 335-355): RIKILCATYV[Asn345Ser]VNIRDIDKIY

ClinVar aggregate classification (germline): Pathogenic/Likely pathogenic. Review status: criteria provided, multiple submitters, no conflicts (2 of 4 stars). 2 submissions from 2 submitters: Pathogenic (1); Likely pathogenic (1). Last evaluated 2026-01-12.

Conditions:
PIK3CA related overgrowth syndrome. Also called: PIK3CA-Related Segmental Overgrowth; PIK3CA related overgrowth spectrum. Identifiers: Orphanet 530313, MedGen C4728213, MONDO:1040002.

Submissions (2):

Clinical Genomics Laboratory, Washington University in St. Louis
Classification: Likely pathogenic for PIK3CA related overgrowth syndrome. Last evaluated: 2026-01-12. Review status: criteria provided, single submitter. Criteria: Leon-Quintero et al. (Clin Genet. 2025). Collection method: clinical testing. Allele origin: somatic. Affected: yes.
Comment: A PIK3CA c.1034A>G (p.Asn345Ser) variant was identified at an allelic fraction consistent with somatic origin. This variant, to our knowledge, has not been reported in the medical literature in individuals with PROS, but has been reported in cancer (COSMIC Genomic mutation ID: COSV55881772; Wepy C et al., PMID: 37172903). It is absent from the general population (gnomAD v4.1.0), indicating it is not a common variant. The PIK3CA c.1034A>G (p.Asn345Ser) variant resides within a region, the C2 domain, of PIK3CA that is defined as a critical functional domain (Lai A et al., PMID: 35997716). Other variants in the same codon, p.Asn345Ile; p.Asn345Thr; p.An345Lys have been reported in individuals with overgrowth disorders and in various types of cancer and are considered pathogenic (Mirzaa G et al., PMID: 27631024; McNulty SN et L., PMID: 31585106; ClinVar variation ID's: 376489, 376050). The PIK3CA gene is defined by the ClinGen Brain malformations expert panel as a gene that has a low rate of benign missense variation and where pathogenic missense variants are a common mechanism of disease. Based on the available information and an internally developed protocol informed by the ACMG/AMP guidelines for variant interpretation and gene-specific practices from the ClinGen Criteria Specification Registry (Leon-Quintero FZ et al., PMID: 39434542), the PIK3CA c.1034A>G (p.Asn345Ser) variant is classified as likely pathogenic.

GeneDx
Classification: Pathogenic. Last evaluated: 2023-09-24. Review status: criteria provided, single submitter. Criteria: GeneDx Variant Classification Process June 2021. Collection method: clinical testing. Allele origin: germline. Affected: yes.
Comment: In silico analysis supports that this missense variant has a deleterious effect on protein structure/function; Not observed at significant frequency in large population cohorts (gnomAD); Has not been previously published as pathogenic or benign to our knowledge; This variant is associated with the following publications: (PMID: 37172903)